The following is an entry in ClinVar:

ClinVar aggregate classification (germline): Uncertain significance. Review status: criteria provided, multiple submitters, no conflicts (2 of 4 stars). 2 submissions from 2 submitters: Uncertain significance (2). Last evaluated 2024-07-13.

Conditions:
Charcot-Marie-Tooth disease type 2. Also called: Charcot-Marie-Tooth type 2. Identifiers: Orphanet 64746, MedGen C0270914, MONDO:0018993.

Submissions (2):

Ambry Genetics
Classification: Uncertain significance. Last evaluated: 2024-07-13. Review status: criteria provided, single submitter. Criteria: Ambry Variant Classification Scheme 2023. Collection method: clinical testing. Allele origin: germline.
Comment: The p.A678S variant (also known as c.2032G>T), located in coding exon 20 of the KIF1B gene, results from a G to T substitution at nucleotide position 2032. The alanine at codon 678 is replaced by serine, an amino acid with similar properties. This amino acid position is conserved. In addition, this alteration is predicted to be tolerated by in silico analysis. Based on the available evidence, the clinical significance of this variant remains unclear.

Labcorp Genetics (formerly Invitae), Labcorp
Classification: Uncertain significance for Charcot-Marie-Tooth disease type 2. Last evaluated: 2023-11-13. Review status: criteria provided, single submitter. Criteria: Invitae Variant Classification Sherloc (09022015). Collection method: clinical testing. Allele origin: germline.
Comment: This sequence change replaces alanine, which is neutral and non-polar, with serine, which is neutral and polar, at codon 678 of the KIF1B protein (p.Ala678Ser). This variant is not present in population databases (gnomAD no frequency). This variant has not been reported in the literature in individuals affected with KIF1B-related conditions. ClinVar contains an entry for this variant (Variation ID: 2427796). An algorithm developed to predict the effect of missense changes on protein structure and function (PolyPhen-2) suggests that this variant is likely to be tolerated. In summary, the available evidence is currently insufficient to determine the role of this variant in disease. Therefore, it has been classified as a Variant of Uncertain Significance.

NM_001365951.3(KIF1B):c.2170G>T (p.Ala724Ser)

Gene: KIF1B (kinesin family member 1B; plus strand). Cytogenetic location: 1p36.22.
Variant type: single nucleotide variant.
Coding change: c.2170G>T on transcript NM_001365951.3 (MANE Select); coding-DNA position 2170, G replaced by T.
Protein change: p.Ala724Ser; replaces alanine 724 with serine.
Molecular consequence: missense variant.
Genome position (GRCh38, 1-based): chr1:10,320,097, G>T. VCF-style: chr1-10320097-G-T. GRCh37 (hg19) VCF-style: chr1-10380155-G-T.
Other names: c.2170G>T, p.Ala724Ser (NM_001365952.1); c.2032G>T, p.Ala678Ser (NM_015074.3); short protein forms A678S, A724S.
Identifiers: ClinVar variation 2427796 (VCV002427796.7), dbSNP rs2521594697, ClinGen allele CA338332349.